The following is an entry in ClinVar:

NM_001369268.1(ACAN):c.1863G>C (p.Lys621Asn)

Gene: ACAN (aggrecan; plus strand). Cytogenetic location: 15q26.1.
Variant type: single nucleotide variant.
Coding change: c.1863G>C on transcript NM_001369268.1 (MANE Select); coding-DNA position 1863, G replaced by C.
Protein change: p.Lys621Asn; replaces lysine 621 with asparagine.
Molecular consequence: missense variant.
Genome position (GRCh38, 1-based): chr15:88,849,568, G>C. VCF-style: chr15-88849568-G-C. GRCh37 (hg19) VCF-style: chr15-89392799-G-C.
Other names: c.1863G>C, p.Lys621Asn (NM_001135.4, NM_001411096.1, NM_001411097.1 and 1 more transcripts); short protein forms K621N.
Identifiers: ClinVar variation 2993603 (VCV002993603.3), dbSNP rs1038689998, ClinGen allele CA393711868.

ClinVar aggregate classification (germline): Uncertain significance (1 of 4 stars; one submission).

gnomAD v4.1: 3 of 1,607,796 alleles (0.00019%); highest among the groups gnomAD compares: East Asian, 0.0022%; no homozygotes.

Submission:

Labcorp Genetics (formerly Invitae), Labcorp
Classification: Uncertain significance. Last evaluated: 2025-08-12. Review status: criteria provided, single submitter. Criteria: Invitae Variant Classification Sherloc (09022015). Collection method: clinical testing. Allele origin: germline.
Comment: This sequence change replaces lysine, which is basic and polar, with asparagine, which is neutral and polar, at codon 621 of the ACAN protein (p.Lys621Asn). This variant is not present in population databases (gnomAD no frequency). This variant has not been reported in the literature in individuals affected with ACAN-related conditions. ClinVar contains an entry for this variant (Variation ID: 2993603). Invitae Evidence Modeling of protein sequence and biophysical properties (such as structural, functional, and spatial information, amino acid conservation, physicochemical variation, residue mobility, and thermodynamic stability) indicates that this missense variant is not expected to disrupt ACAN protein function with a negative predictive value of 80%. In summary, the available evidence is currently insufficient to determine the role of this variant in disease. Therefore, it has been classified as a Variant of Uncertain Significance.